The following is an entry in ClinVar:

NM_004369.4(COL6A3):c.1705G>T (p.Ala569Ser)

Gene: COL6A3 (collagen type VI alpha 3 chain; minus strand). Cytogenetic location: 2q37.3.
Variant type: single nucleotide variant.
Coding change: c.1705G>T on transcript NM_004369.4 (MANE Select); coding-DNA position 1705, G replaced by T.
Protein change: p.Ala569Ser; replaces alanine 569 with serine.
Molecular consequence: missense variant.
Genome position (GRCh38, 1-based): chr2:237,381,107, C>A on the plus strand (G>T on the coding strand, the complement: COL6A3 is on the minus strand). VCF-style: chr2-237381107-C-A. GRCh37 (hg19) VCF-style: chr2-238289750-C-A.
Other names: c.484G>T, p.Ala162Ser (NM_057164.5, NM_057166.5); c.1087G>T, p.Ala363Ser (NM_057165.5, NM_057167.4); short protein forms A162S, A363S, A569S.
Identifiers: ClinVar variation 2417066 (VCV002417066.8), dbSNP rs1368460175, ClinGen allele CA351217212.

ClinVar aggregate classification (germline): Uncertain significance (1 of 4 stars; one submission).

Conditions:
Bethlem myopathy 1A. Also called: Bethlem Muscular Dystrophy; MYOPATHY, BENIGN CONGENITAL, WITH CONTRACTURES; Bethlem myopathy 1. Identifiers: Orphanet 610, MedGen CN029274, MONDO:0024530, OMIM 158810.

Allele frequency attached by ClinVar (database versions not stated): gnomAD exomes below 0.00001; TOPMed below 0.00001; gnomAD 0.00001.
gnomAD v4.1: 5 of 1,614,134 alleles (0.00031%); highest among the groups gnomAD compares: African/African-American, 0.0013%; no homozygotes.

Submission:

Labcorp Genetics (formerly Invitae), Labcorp
Classification: Uncertain significance for Bethlem myopathy 1A. Last evaluated: 2022-06-19. Review status: criteria provided, single submitter. Criteria: Invitae Variant Classification Sherloc (09022015). Collection method: clinical testing. Allele origin: germline.
Comment: In summary, the available evidence is currently insufficient to determine the role of this variant in disease. Therefore, it has been classified as a Variant of Uncertain Significance. Advanced modeling of protein sequence and biophysical properties (such as structural, functional, and spatial information, amino acid conservation, physicochemical variation, residue mobility, and thermodynamic stability) performed at Invitae indicates that this missense variant is not expected to disrupt COL6A3 protein function. This variant has not been reported in the literature in individuals affected with COL6A3-related conditions. This variant is not present in population databases (gnomAD no frequency). This sequence change replaces alanine, which is neutral and non-polar, with serine, which is neutral and polar, at codon 569 of the COL6A3 protein (p.Ala569Ser).